The following is an entry in ClinVar:

NM_000256.3(MYBPC3):c.3735del (p.Phe1246fs)

Gene: MYBPC3 (myosin binding protein C3; minus strand). Cytogenetic location: 11p11.2.
Variant type: Deletion.
Coding change: c.3735del on transcript NM_000256.3 (MANE Select); coding-DNA position 3735, one base deleted (C; older notation c.3735delC).
Protein change: p.Phe1246fs; shifts the reading frame from phenylalanine 1246.
Molecular consequence: frameshift variant.
Genome position (GRCh38, 1-based): chr11:47,332,151, G deleted on the plus strand (C on the coding strand, the reverse complement: MYBPC3 is on the minus strand); the first of 4 consecutive G bases (chr11:47,332,151-47,332,154); deleting any one gives the same sequence. VCF-style (leftmost placement, unchanged base first): chr11-47332150-AG-A. GRCh37 (hg19) VCF-style: chr11-47353701-AG-A.
Other names: c.3735del, p.Phe1246fs (LRG_386t1); c.3735delC (NM_000256.3); short protein forms F1246fs.
Identifiers: ClinVar variation 42737 (VCV000042737.14), dbSNP rs397516038, ClinGen allele CA014698.
Genomic context (GRCh38, chr11:47,332,150, plus strand): 5'-ACTCACACCGTGCCTCGCCCTGTAAGTTGGTGGCCCTGCAGACATAGATGCCCCCGTCAA[AG>A]GGGCAGGGCTTTCTAATCTCCAGAGTCAACACTCCCTGCTTGCTGAACATGCGGAAGCGG-3'

ClinVar aggregate classification (germline): Pathogenic/Likely pathogenic. Review status: criteria provided, multiple submitters, no conflicts (2 of 4 stars). 3 submissions from 3 submitters: Pathogenic (2); Likely pathogenic (1). Last evaluated 2025-05-29.

Conditions:
Hypertrophic cardiomyopathy 4. Also called: Familial hypertrophic cardiomyopathy 4. Identifiers: MedGen C1861862, MONDO:0007268, OMIM 115197.
Hypertrophic cardiomyopathy. Also called: HYPERTROPHIC MYOCARDIOPATHY. Identifiers: Orphanet 217569, MedGen C0007194, MeSH D002312, MONDO:0005045, HP:0001639.

Submissions (3):

3billion
Classification: Pathogenic for Hypertrophic cardiomyopathy 4. Last evaluated: 2025-05-29. Review status: criteria provided, single submitter. Criteria: ACMG Guidelines, 2015. Collection method: clinical testing. Allele origin: germline. Affected: yes.
Comment: The variant is not observed in the gnomAD v4.1.0 dataset. Predicted Consequence/Location: Frameshift: predicted to result in a loss or disruption of normal protein function through nonsense-mediated decay (NMD) or protein truncation. Multiple pathogenic variants are reported downstream of the variant. The variant has been reported at least twice as pathogenic with clinical assertions and evidence for the classification (ClinVar ID: VCV000042737 /PMID: 20474083 /3billion dataset). Therefore, this variant is classified as Pathogenic according to the recommendation of ACMG/AMP guideline.

Labcorp Genetics (formerly Invitae), Labcorp
Classification: Pathogenic for Hypertrophic cardiomyopathy. Last evaluated: 2022-11-22. Review status: criteria provided, single submitter. Criteria: Invitae Variant Classification Sherloc (09022015). Collection method: clinical testing. Allele origin: germline.
Comment: For these reasons, this variant has been classified as Pathogenic. This sequence change creates a premature translational stop signal (p.Phe1246Leufs*85) in the MYBPC3 gene. While this is not anticipated to result in nonsense mediated decay, it is expected to disrupt the last 29 amino acid(s) of the MYBPC3 protein. This variant is not present in population databases (gnomAD no frequency). This premature translational stop signal has been observed in individuals with hypertrophic cardiomyopathy (PMID: 25611685, 26090888). ClinVar contains an entry for this variant (Variation ID: 42737). This variant disrupts a region of the MYBPC3 protein in which other variant(s) (p.Arg1271*) have been determined to be pathogenic (PMID: 18533079, 23396983; Invitae). This suggests that this is a clinically significant region of the protein, and that variants that disrupt it are likely to be disease-causing.

Laboratory for Molecular Medicine, Mass General Brigham Personalized Medicine
Classification: Likely pathogenic for Hypertrophic cardiomyopathy. Last evaluated: 2018-01-31. Review status: criteria provided, single submitter. Criteria: LMM Criteria. Collection method: clinical testing. Allele origin: germline. Inheritance: Autosomal dominant inheritance. Observed: 12 variant alleles.
Comment: The p.Phe1246LeufsExtX55 variant in MYBPC3 has been identified in 2 individuals with HCM and segregated with disease in 2 affected relatives from one family (Li u 2016, LMM data). It was absent from large population studies. This variant is predicted to cause a frameshift altering the protein?s terminal 30 amino acid se quence beginning at position 1246, abolishing the stop codon and extending the p rotein by 55 amino acids. In summary, although additional studies are required t o fully establish its clinical significance, the p.Phe1246LeufsExtX55 variant is likely pathogenic. ACMG/AMP Criteria applied: PM4_S; PM2, PS4_P.

Literature cited by the submitters: PubMed 20474083 (cited by 3billion and Laboratory for Molecular Medicine, Mass General Brigham Personalized Medicine); PubMed 25611685 (cited by Labcorp Genetics (formerly Invitae), Labcorp and Laboratory for Molecular Medicine, Mass General Brigham Personalized Medicine); PubMed 26090888 (cited by Labcorp Genetics (formerly Invitae), Labcorp and Laboratory for Molecular Medicine, Mass General Brigham Personalized Medicine); PubMed 18533079 (cited by Labcorp Genetics (formerly Invitae), Labcorp); PubMed 23396983 (cited by Labcorp Genetics (formerly Invitae), Labcorp); PubMed 27532257 (cited by Laboratory for Molecular Medicine, Mass General Brigham Personalized Medicine); PubMed 28241245 (cited by Laboratory for Molecular Medicine, Mass General Brigham Personalized Medicine).